The following is an entry in ClinVar:

ClinVar aggregate classification (germline): Benign. Review status: criteria provided, multiple submitters, no conflicts (2 of 4 stars). 4 submissions from 4 submitters: Benign (3). 1 of the submissions does not count toward it. Last evaluated 2026-02-04.

Conditions:
UNC45A-related disorder. Also called: UNC45A-related condition.

Allele frequency attached by ClinVar (database versions not stated): TOPMed 0.17561; ExAC 0.20797; gnomAD 0.19836 and 0.19566; 1000 Genomes Project 0.11042; 1000 Genomes Project 30x 0.11087; gnomAD exomes 0.20359; ESP Exome Variant Server 0.20490.
gnomAD v4.1: 403,360 of 1,610,480 alleles (25%); highest among the groups gnomAD compares: Non-Finnish European, 29%; 55,877 homozygotes.

Submissions (4):

Labcorp Genetics (formerly Invitae), Labcorp
Classification: Benign. Last evaluated: 2026-02-04. Review status: criteria provided, single submitter. Criteria: Invitae Variant Classification Sherloc (09022015). Collection method: clinical testing. Allele origin: germline.

Mayo Clinic Laboratories, Mayo Clinic
Classification: Benign. Last evaluated: 2022-09-06. Review status: criteria provided, single submitter. Criteria: ACMG Guidelines, 2015. Collection method: clinical testing. Allele origin: germline. Observed: 24 variant alleles.

Breakthrough Genomics
Classification: Benign. Review status: criteria provided, single submitter. Criteria: ACMG Guidelines, 2015. Collection method: not provided. Allele origin: germline. Inheritance: Autosomal recessive inheritance. Affected: yes.

PreventionGenetics, part of Exact Sciences
Classification: Benign for UNC45A-related condition. Last evaluated: 2019-10-18. Review status: no assertion criteria provided. Collection method: clinical testing. Allele origin: germline. Not counted in ClinVar's aggregate classification.
Comment: This variant is classified as benign based on ACMG/AMP sequence variant interpretation guidelines (Richards et al. 2015 PMID: 25741868, with internal and published modifications).

NM_018671.5(UNC45A):c.520-5C>T

Gene: UNC45A (unc-45 myosin chaperone A; plus strand). Cytogenetic location: 15q26.1.
Variant type: single nucleotide variant.
Coding change: c.520-5C>T on transcript NM_018671.5 (MANE Select); 5 bases into the intron before coding-DNA position 520, C replaced by T.
Molecular consequence: intron variant.
Genome position (GRCh38, 1-based): chr15:90,940,301, C>T. VCF-style: chr15-90940301-C-T. GRCh37 (hg19) VCF-style: chr15-91483531-C-T.
Other names: p.?; c.475-5C>T (NM_001039675.2, NM_001323621.2); c.520-5C>T (NM_001323619.1); c.85-5C>T (NM_001323620.2).
Identifiers: ClinVar variation 1169185 (VCV001169185.13), dbSNP rs17593423, ClinGen allele CA7742579.